The following is an entry in ClinVar:

ClinVar aggregate classification (germline): Uncertain significance. Review status: criteria provided, multiple submitters, no conflicts (2 of 4 stars). 2 submissions from 2 submitters: Uncertain significance (2). Last evaluated 2025-01-16.

Allele frequency attached by ClinVar (database versions not stated): TOPMed 0.00003; ExAC 0.00005; gnomAD 0.00006; 1000 Genomes Project 30x 0.00016; 1000 Genomes Project 0.00020; gnomAD exomes 0.00021.
gnomAD v4.1: 309 of 1,614,148 alleles (0.019%); highest among the groups gnomAD compares: Non-Finnish European, 0.025%; no homozygotes.

Submissions (2):

Ambry Genetics
Classification: Uncertain significance. Last evaluated: 2025-01-16. Review status: criteria provided, single submitter. Criteria: Ambry Variant Classification Scheme 2023. Collection method: clinical testing. Allele origin: germline.

Labcorp Genetics (formerly Invitae), Labcorp
Classification: Uncertain significance. Last evaluated: 2022-08-24. Review status: criteria provided, single submitter. Criteria: Invitae Variant Classification Sherloc (09022015). Collection method: clinical testing. Allele origin: germline.
Comment: This sequence change replaces arginine, which is basic and polar, with glutamine, which is neutral and polar, at codon 76 of the COQ7 protein (p.Arg76Gln). This variant is present in population databases (rs545131753, gnomAD 0.02%). This variant has not been reported in the literature in individuals affected with COQ7-related conditions. Algorithms developed to predict the effect of missense changes on protein structure and function (SIFT, PolyPhen-2, Align-GVGD) all suggest that this variant is likely to be tolerated. In summary, the available evidence is currently insufficient to determine the role of this variant in disease. Therefore, it has been classified as a Variant of Uncertain Significance.

NM_016138.5(COQ7):c.227G>A (p.Arg76Gln)

Gene: COQ7 (coenzyme Q7, hydroxylase; plus strand). Cytogenetic location: 16p12.3.
Variant type: single nucleotide variant.
Coding change: c.227G>A on transcript NM_016138.5 (MANE Select); coding-DNA position 227, G replaced by A.
Protein change: p.Arg76Gln; replaces arginine 76 with glutamine.
Molecular consequence: missense variant. On other transcripts: non-coding transcript variant (3).
Genome position (GRCh38, 1-based): chr16:19,072,081, G>A. VCF-style: chr16-19072081-G-A. GRCh37 (hg19) VCF-style: chr16-19083403-G-A.
Other names: c.113G>A, p.Arg38Gln (NM_001190983.2, NM_001370492.1, NM_001370493.1 and 2 more transcripts); c.185G>A, p.Arg62Gln (NM_001370489.1, NM_001370491.1); c.227G>A, p.Arg76Gln (NM_001370490.1); c.227G>A (NM_016138.4); short protein forms R76Q, R38Q, R62Q.
Identifiers: ClinVar variation 1987145 (VCV001987145.2), dbSNP rs545131753, ClinGen allele CA7932921.
Genomic context (GRCh38, chr16:19,072,081, plus strand): 5'-ATCATGCAGGCGAATATGGAGCAAACCGCATCTATGCCGGGCAGATGGCTGTCCTGGGTC[G>A]GACCAGCGTCGGGCCAGTCATTCAGGTGGGTGCTTCTTCATCTCCCTCACCCTGGTCTAC-3'
Protein context (NP_057222.2, residues 66-86): IYAGQMAVLG[Arg76Gln]TSVGPVIQKM